The following is an entry in ClinVar:

NM_001242896.3(DEPDC5):c.3956G>A (p.Arg1319Gln)

Gene: DEPDC5 (DEP domain containing 5, GATOR1 subcomplex subunit; plus strand). Cytogenetic location: 22q12.3.
Variant type: single nucleotide variant.
Coding change: c.3956G>A on transcript NM_001242896.3 (MANE Select); coding-DNA position 3956, G replaced by A.
Protein change: p.Arg1319Gln; replaces arginine 1319 with glutamine.
Molecular consequence: missense variant. On other transcripts: non-coding transcript variant (5).
Genome position (GRCh38, 1-based): chr22:31,879,675, G>A. VCF-style: chr22-31879675-G-A. GRCh37 (hg19) VCF-style: chr22-32275661-G-A.
Other names: c.3929G>A, p.Arg1310Gln (NM_001136029.4); c.3656G>A, p.Arg1219Gln (NM_001242897.2); c.3890G>A, p.Arg1297Gln (NM_001363852.2, NM_001364320.2); c.3722G>A, p.Arg1241Gln (NM_001363854.2, NM_001364319.2); c.3956G>A, p.Arg1319Gln (NM_001364318.2); c.3872G>A, p.Arg1291Gln (NM_001369901.1, NM_001369902.1); c.3863G>A, p.Arg1288Gln (NM_001369903.1, NM_014662.6); short protein forms R1288Q, R1291Q, R1219Q, R1241Q, R1310Q, R1297Q, R1319Q.
Identifiers: ClinVar variation 1506011 (VCV001506011.8), dbSNP rs777643503, ClinGen allele CA10197149.

ClinVar aggregate classification (germline): Uncertain significance (1 of 4 stars; one submission).

Conditions:
Familial focal epilepsy with variable foci (FPEVF). Identifiers: Orphanet 98820, MedGen C1858477, MONDO:0020310.

Allele frequency attached by ClinVar (database versions not stated): ExAC 0.00002; gnomAD exomes 0.00002.
gnomAD v4.1: 23 of 1,614,070 alleles (0.0014%); highest among the groups gnomAD compares: Admixed American, 0.0033%; no homozygotes.

Submission:

Labcorp Genetics (formerly Invitae), Labcorp
Classification: Uncertain significance for Familial focal epilepsy with variable foci. Last evaluated: 2024-02-14. Review status: criteria provided, single submitter. Criteria: Invitae Variant Classification Sherloc (09022015). Collection method: clinical testing. Allele origin: germline.
Comment: This sequence change replaces arginine, which is basic and polar, with glutamine, which is neutral and polar, at codon 1319 of the DEPDC5 protein (p.Arg1319Gln). This variant is present in population databases (rs777643503, gnomAD 0.006%). This variant has not been reported in the literature in individuals affected with DEPDC5-related conditions. ClinVar contains an entry for this variant (Variation ID: 1506011). Experimental studies and prediction algorithms are not available or were not evaluated, and the functional significance of this variant is currently unknown. In summary, the available evidence is currently insufficient to determine the role of this variant in disease. Therefore, it has been classified as a Variant of Uncertain Significance.